The following is an entry in ClinVar:

ClinVar aggregate classification (germline): Benign/Likely benign. Review status: criteria provided, multiple submitters, no conflicts (2 of 4 stars). 6 submissions from 6 submitters: Benign (1); Likely benign (5). Last evaluated 2025-12-22.

Conditions:
Breast-ovarian cancer, familial, susceptibility to, 3. Also called: RAD51C-Related Breast/Ovarian Cancer. Identifiers: Orphanet 145, MedGen C3150659, MONDO:0013253, OMIM 613399.
Hereditary cancer-predisposing syndrome. Also called: Tumor predisposition; Hereditary Cancer Syndrome; Hereditary neoplastic syndrome; Neoplastic Syndromes, Hereditary. Identifiers: Orphanet 140162, MedGen C0027672, MeSH D009386, MONDO:0015356.
Fanconi anemia complementation group O. Also called: RAD51C-Related Fanconi Anemia. Identifiers: Orphanet 84, MedGen C3150653, MONDO:0013248, OMIM 613390.

gnomAD v4.1: 19 of 1,614,090 alleles (0.0012%); highest among the groups gnomAD compares: Non-Finnish European, 0.0014%; no homozygotes.

Submissions (6):

Labcorp Genetics (formerly Invitae), Labcorp
Classification: Likely benign for Fanconi anemia complementation group O. Last evaluated: 2025-12-22. Review status: criteria provided, single submitter. Criteria: Invitae Variant Classification Sherloc (09022015). Collection method: clinical testing. Allele origin: germline.

Myriad Genetics, Inc.
Classification: Benign for Breast-ovarian cancer, familial, susceptibility to, 3. Last evaluated: 2025-02-14. Review status: criteria provided, single submitter. Criteria: Myriad Autosomal Dominant, Autosomal Recessive and X-Linked Classification Criteria (2023). Collection method: clinical testing. Allele origin: unknown.
Comment: This variant is considered benign. This variant is a silent/synonymous amino acid change and it is not expected to impact splicing.

Women's Health and Genetics/Laboratory Corporation of America, LabCorp
Classification: Likely benign. Last evaluated: 2019-08-29. Review status: criteria provided, single submitter. Criteria: LabCorp Variant Classification Summary - May 2015. Collection method: clinical testing. Allele origin: germline.

GeneDx
Classification: Likely benign. Last evaluated: 2018-11-08. Review status: criteria provided, single submitter. Criteria: GeneDx Variant Classification Process June 2021. Collection method: clinical testing. Allele origin: germline. Affected: yes.

Color Diagnostics, LLC DBA Color Health
Classification: Likely benign for Hereditary cancer-predisposing syndrome. Last evaluated: 2015-11-16. Review status: criteria provided, single submitter. Criteria: ACMG Guidelines, 2015. Collection method: clinical testing. Allele origin: germline.

Ambry Genetics
Classification: Likely benign for Hereditary cancer-predisposing syndrome. Last evaluated: 2014-12-03. Review status: criteria provided, single submitter. Criteria: Ambry Variant Classification Scheme 2023. Collection method: clinical testing. Allele origin: germline.

NM_058216.3(RAD51C):c.319C>T (p.Leu107=)

Gene: RAD51C (RAD51 paralog C; plus strand). Cytogenetic location: 17q22.
Variant type: single nucleotide variant.
Coding change: c.319C>T on transcript NM_058216.3 (MANE Select); coding-DNA position 319, C replaced by T.
Protein change: p.Leu107=; no amino-acid change (leucine 107 retained).
Molecular consequence: synonymous variant. On other transcripts: non-coding transcript variant (2).
Genome position (GRCh38, 1-based): chr17:58,695,104, C>T. VCF-style: chr17-58695104-C-T. GRCh37 (hg19) VCF-style: chr17-56772465-C-T.
Other names: c.319C>T, p.Leu107= (NM_002876.4).
Identifiers: ClinVar variation 184007 (VCV000184007.21), dbSNP rs752817595, ClinGen allele CA187465.